The following is an entry in ClinVar:

ClinVar aggregate classification (germline): Uncertain significance. Review status: criteria provided, multiple submitters, no conflicts (2 of 4 stars). 3 submissions from 3 submitters: Uncertain significance (3). Last evaluated 2026-04-14.

Conditions:
Familial intrahepatic cholestasis. Identifiers: Orphanet 284385, MedGen CN296401, MONDO:0017290.
Progressive familial intrahepatic cholestasis type 2. Identifiers: Orphanet 79304, MedGen C3489789, MONDO:0011156, OMIM 601847.

Allele frequency attached by ClinVar (database versions not stated): gnomAD 0.00003; ESP Exome Variant Server 0.00008; TOPMed 0.00009; gnomAD exomes 0.00010 and 0.00013; 1000 Genomes Project 30x 0.00016; ExAC 0.00016.
gnomAD v4.1: 149 of 1,610,750 alleles (0.0093%); highest among the groups gnomAD compares: Middle Eastern, 0.017%; no homozygotes.

Submissions (3):

Genomenon, Inc
Classification: Uncertain significance for Familial intrahepatic cholestasis. Last evaluated: 2026-04-14. Review status: criteria provided, single submitter. Criteria: Genomenon Sequence Variant Interpretation Standards - Updated. Collection method: curation. Allele origin: germline. Affected: no.
Comment: ABCB11 p.Arg415Gln (c.1244G>A) is a missense variant that changes the amino acid at residue 415 from Arginine to Glutamine. This variant has been reported in the published literature (PMID:19101985;31341876;15077010;22795478). It is absent or not present at a significant frequency in gnomAD. In silico models predict that this variant is not damaging. In conclusion, we classify ABCB11 p.Arg415Gln (c.1244G>A) as a variant of uncertain significance.

Eurofins Ntd Llc (ga)
Classification: Uncertain significance. Last evaluated: 2018-03-16. Review status: criteria provided, single submitter. Criteria: EGL ClinVar v180209 classification definitions. Collection method: clinical testing. Allele origin: germline. Observed: 1 variant allele, 1 heterozygote.

Illumina Laboratory Services, Illumina
Classification: Uncertain significance for Progressive familial intrahepatic cholestasis type 2. Last evaluated: 2017-04-27. Review status: criteria provided, single submitter. Criteria: ICSL Variant Classification Criteria 13 December 2019. Collection method: clinical testing. Allele origin: germline.
Comment: This variant was observed as part of a predisposition screen in an ostensibly healthy population. A literature search was performed for the gene, cDNA change, and amino acid change (where applicable). Publications were found based on this search. However, the evidence from the literature, in combination with allele frequency data from public databases where available, was not sufficient to rule this variant in or out of causing disease. Therefore, this variant is classified as a variant of unknown significance.

Literature cited by the submitters: PubMed 19101985 (cited by Genomenon, Inc and Illumina Laboratory Services, Illumina); PubMed 31341876 (cited by Genomenon, Inc); PubMed 15077010 (cited by Genomenon, Inc and Illumina Laboratory Services, Illumina); PubMed 22795478 (cited by Genomenon, Inc).

NM_003742.4(ABCB11):c.1244G>A (p.Arg415Gln)

Gene: ABCB11 (ATP binding cassette subfamily B member 11; minus strand). Cytogenetic location: 2q31.1.
Variant type: single nucleotide variant.
Coding change: c.1244G>A on transcript NM_003742.4 (MANE Select); coding-DNA position 1244, G replaced by A.
Protein change: p.Arg415Gln; replaces arginine 415 with glutamine.
Molecular consequence: missense variant.
Genome position (GRCh38, 1-based): chr2:168,976,641, C>T on the plus strand (G>A on the coding strand, the complement: ABCB11 is on the minus strand). VCF-style: chr2-168976641-C-T. GRCh37 (hg19) VCF-style: chr2-169833151-C-T.
Other names: c.1244G>A, p.Arg415Gln (LRG_1199t1); short protein forms R415Q.
Identifiers: ClinVar variation 596528 (VCV000596528.10), dbSNP rs371656014, ClinGen allele CA1951644.
Genomic context (GRCh38, chr2:168,976,641, plus strand): 5'-ACCTCTGGTCTGGAAGGATAATGGAAGGTCACATTATGGAATTCAATTTCACCCTTGATT[C>T]GATCCAACTTGTAACCATCTTCTGACATGCAGTCAATGATGGGTTTCTGGAGTGAAATAC-3'
Protein context (NP_003733.2, residues 405-425): CMSEDGYKLD[Arg415Gln]IKGEIEFHNV